The following is an entry in ClinVar:

NM_014975.3(MAST1):c.3088G>A (p.Gly1030Ser)

Gene: MAST1 (microtubule associated serine/threonine kinase 1; plus strand). Cytogenetic location: 19p13.13.
Variant type: single nucleotide variant.
Coding change: c.3088G>A on transcript NM_014975.3 (MANE Select); coding-DNA position 3088, G replaced by A.
Protein change: p.Gly1030Ser; replaces glycine 1030 with serine.
Molecular consequence: missense variant.
Genome position (GRCh38, 1-based): chr19:12,870,908, G>A. VCF-style: chr19-12870908-G-A. GRCh37 (hg19) VCF-style: chr19-12981722-G-A.
Other names: short protein forms G1030S.
Identifiers: ClinVar variation 4681985 (VCV004681985.5).

ClinVar aggregate classification (germline): Uncertain significance (1 of 4 stars; one submission).

Submission:

CeGaT Center for Human Genetics Tuebingen
Classification: Uncertain significance. Last evaluated: 2025-12-01. Review status: criteria provided, single submitter. Criteria: CeGaT Center For Human Genetics Tuebingen Variant Classification Criteria Version 2. Collection method: clinical testing. Allele origin: germline. Affected: yes. Observed: 1 variant allele.
Comment: MAST1: PM2